The following is an entry in ClinVar:

NM_032444.4(SLX4):c.1856C>T (p.Ala619Val)

Gene: SLX4 (SLX4 structure-specific endonuclease subunit; minus strand). Cytogenetic location: 16p13.3.
Variant type: single nucleotide variant.
Coding change: c.1856C>T on transcript NM_032444.4 (MANE Select); coding-DNA position 1856, C replaced by T.
Protein change: p.Ala619Val; replaces alanine 619 with valine.
Molecular consequence: missense variant.
Genome position (GRCh38, 1-based): chr16:3,596,221, G>A on the plus strand (C>T on the coding strand, the complement: SLX4 is on the minus strand). VCF-style: chr16-3596221-G-A. GRCh37 (hg19) VCF-style: chr16-3646222-G-A.
Other names: short protein forms A619V.
Identifiers: ClinVar variation 836238 (VCV000836238.11), dbSNP rs371325486, ClinGen allele CA7866396.

ClinVar aggregate classification (germline): Uncertain significance. Review status: criteria provided, multiple submitters, no conflicts (2 of 4 stars). 2 submissions from 2 submitters: Uncertain significance (2). Last evaluated 2020-03-23.

Conditions:
Fanconi anemia (FA). Also called: Fanconi's anemia. Identifiers: Orphanet 84, MedGen C0015625, MeSH D005199, MONDO:0019391.

Allele frequency attached by ClinVar (database versions not stated): gnomAD 0.00001; gnomAD exomes 0.00001; TOPMed 0.00001; ExAC 0.00006; ESP Exome Variant Server 0.00008; 1000 Genomes Project 30x 0.00016.
gnomAD v4.1: 8 of 1,551,050 alleles (0.00052%); highest among the groups gnomAD compares: South Asian, 0.0071%; no homozygotes.

Submissions (2):

Blueprint Genetics
Classification: Uncertain significance. Last evaluated: 2020-03-23. Review status: criteria provided, single submitter. Criteria: ACMG Guidelines, 2015. Collection method: clinical testing. Allele origin: germline.

Labcorp Genetics (formerly Invitae), Labcorp
Classification: Uncertain significance for Fanconi anemia. Last evaluated: 2019-04-26. Review status: criteria provided, single submitter. Criteria: Invitae Variant Classification Sherloc (09022015). Collection method: clinical testing. Allele origin: germline.
Comment: Algorithms developed to predict the effect of sequence changes on RNA splicing suggest that this variant may create or strengthen a splice site, but this prediction has not been confirmed by published transcriptional studies. In summary, the available evidence is currently insufficient to determine the role of this variant in disease. Therefore, it has been classified as a Variant of Uncertain Significance. Algorithms developed to predict the effect of missense changes on protein structure and function are either unavailable or do not agree on the potential impact of this missense change (SIFT: "Deleterious"; PolyPhen-2: "Probably Damaging"; Align-GVGD: "Class C0"). This variant has not been reported in the literature in individuals with SLX4-related conditions. This variant is present in population databases (rs371325486, ExAC 0.01%). This sequence change replaces alanine with valine at codon 619 of the SLX4 protein (p.Ala619Val). The alanine residue is highly conserved and there is a small physicochemical difference between alanine and valine.